The following is an entry in ClinVar:

NM_003742.4(ABCB11):c.*236A>G

Gene: ABCB11 (ATP binding cassette subfamily B member 11; minus strand). Cytogenetic location: 2q31.1.
Variant type: single nucleotide variant.
Coding change: c.*236A>G on transcript NM_003742.4 (MANE Select); 236 bases downstream of the stop codon, A replaced by G.
Molecular consequence: 3 prime UTR variant.
Genome position (GRCh38, 1-based): chr2:168,923,386, T>C on the plus strand (A>G on the coding strand, the complement: ABCB11 is on the minus strand). VCF-style: chr2-168923386-T-C. GRCh37 (hg19) VCF-style: chr2-169779896-T-C.
Other names: c.*236A>G (LRG_1199t1).
Identifiers: ClinVar variation 332018 (VCV000332018.8), dbSNP rs473351, ClinGen allele CA10611683.

ClinVar aggregate classification (germline): Benign. Review status: criteria provided, multiple submitters, no conflicts (2 of 4 stars). 4 submissions from 4 submitters: Benign (4). Last evaluated 2026-04-14.

Conditions:
Familial intrahepatic cholestasis. Identifiers: Orphanet 284385, MedGen CN296401, MONDO:0017290.
Progressive familial intrahepatic cholestasis type 2. Identifiers: Orphanet 79304, MedGen C3489789, MONDO:0011156, OMIM 601847.

Allele frequency attached by ClinVar (database versions not stated): gnomAD exomes 0.61564; gnomAD 0.61693 and 0.62346; TOPMed 0.62399; 1000 Genomes Project 30x 0.72142; 1000 Genomes Project 0.72923.
gnomAD v4.1: 352,763 of 570,900 alleles (62%); highest among the groups gnomAD compares: East Asian, 94%; 112,586 homozygotes.

Submissions (4):

Genomenon, Inc
Classification: Benign for Familial intrahepatic cholestasis. Last evaluated: 2026-04-14. Review status: criteria provided, single submitter. Criteria: Genomenon Sequence Variant Interpretation Standards - Updated. Collection method: curation. Allele origin: germline. Affected: no.
Comment: ABCB11 c.*236A>G is a variant located in the 3′ untranslated region (3′ UTR). This variant is present at high allele frequency in population databases. In conclusion, we classify ABCB11 c.*236A>G as a benign variant.

GeneDx
Classification: Benign. Last evaluated: 2018-06-29. Review status: criteria provided, single submitter. Criteria: GeneDx Variant Classification Process June 2021. Collection method: clinical testing. Allele origin: germline. Affected: yes.

Illumina Laboratory Services, Illumina
Classification: Benign for Progressive familial intrahepatic cholestasis type 2. Last evaluated: 2018-01-12. Review status: criteria provided, single submitter. Criteria: ICSL Variant Classification Criteria 13 December 2019. Collection method: clinical testing. Allele origin: germline.
Comment: This variant was observed in the ICSL laboratory as part of a predisposition screen in an ostensibly healthy population. It had not been previously curated by ICSL or reported in the Human Gene Mutation Database (HGMD: prior to June 1st, 2018), and was therefore a candidate for classification through an automated scoring system. Utilizing variant allele frequency, disease prevalence and penetrance estimates, and inheritance mode, an automated score was calculated to assess if this variant is too frequent to cause the disease. Based on the score and internal cut-off values, a variant classified as benign is not then subjected to further curation. The score for this variant resulted in a classification of benign for this disease.

Breakthrough Genomics
Classification: Benign. Review status: criteria provided, single submitter. Criteria: ACMG Guidelines, 2015. Collection method: not provided. Allele origin: germline. Inheritance: Autosomal recessive inheritance. Affected: yes.